The following is an entry in ClinVar:

NM_000829.4(GRIA4):c.1943T>C (p.Val648Ala)

Gene: GRIA4 (glutamate ionotropic receptor AMPA type subunit 4; plus strand). Cytogenetic location: 11q22.3.
Variant type: single nucleotide variant.
Coding change: c.1943T>C on transcript NM_000829.4 (MANE Select); coding-DNA position 1943, T replaced by C.
Protein change: p.Val648Ala; replaces valine 648 with alanine.
Molecular consequence: missense variant. On other transcripts: non-coding transcript variant (1).
Genome position (GRCh38, 1-based): chr11:105,926,836, T>C. VCF-style: chr11-105926836-T-C. GRCh37 (hg19) VCF-style: chr11-105797562-T-C.
Other names: c.1943T>C, p.Val648Ala (NM_001077243.3); short protein forms V648A.
Identifiers: ClinVar variation 2429492 (VCV002429492.1), dbSNP rs2497929333, ClinGen allele CA382301848.

ClinVar aggregate classification (germline): Uncertain significance (1 of 4 stars; one submission).

Submission:

GeneDx
Classification: Uncertain significance. Last evaluated: 2022-08-11. Review status: criteria provided, single submitter. Criteria: GeneDx Variant Classification Process June 2021. Collection method: clinical testing. Allele origin: germline. Affected: yes.
Comment: Not observed at significant frequency in large population cohorts (gnomAD); In silico analysis supports that this missense variant has a deleterious effect on protein structure/function; Has not been previously published as pathogenic or benign to our knowledge